The following is an entry in ClinVar:

NM_017780.4(CHD7):c.2613+4C>T

Gene: CHD7 (chromodomain helicase DNA binding protein 7; plus strand). Cytogenetic location: 8q12.2.
Variant type: single nucleotide variant.
Coding change: c.2613+4C>T on transcript NM_017780.4 (MANE Select); 4 bases into the intron after coding-DNA position 2613, C replaced by T.
Molecular consequence: intron variant.
Genome position (GRCh38, 1-based): chr8:60,816,505, C>T. VCF-style: chr8-60816505-C-T. GRCh37 (hg19) VCF-style: chr8-61729064-C-T.
Other names: c.1716+35455C>T (NM_001316690.1); c.2613+4C>T (LRG_176t1).
Identifiers: ClinVar variation 363454 (VCV000363454.46), dbSNP rs779615403, ClinGen allele CA4759760.

ClinVar aggregate classification (germline): Conflicting classifications of pathogenicity. Review status: criteria provided, conflicting classifications (1 of 4 stars). 6 submissions from 6 submitters: Uncertain significance (3); Likely benign (3). Last evaluated 2024-03-01.

Conditions:
CHARGE syndrome (CHARGE). Also called: CHARGE ASSOCIATION--COLOBOMA, HEART ANOMALY, CHOANAL ATRESIA, RETARDATION, GENITAL AND EAR ANOMALIES; Coloboma, heart anomaly, choanal atresia, retardation, genital and ear anomalies; CHARGE association; Hall-Hittner syndrome; Hittner Hirsch Kreh syndrome. Identifiers: Orphanet 138, MedGen C0265354, MONDO:0008965.
Hypogonadotropic hypogonadism 5 with or without anosmia (KAL5). Also called: HYPOGONADOTROPIC HYPOGONADISM 5 WITH ANOSMIA; HYPOGONADOTROPHIC HYPOGONADISM 5 WITHOUT ANOSMIA; CHD7-Related GnRH Deficiency (Kallmann Syndrome 5). Identifiers: Orphanet 478, MedGen C3552553, MONDO:0012880, OMIM 612370. Disease mechanism: loss of function.

Allele frequency attached by ClinVar (database versions not stated): gnomAD 0.00001; gnomAD exomes 0.00002; TOPMed 0.00002; ExAC 0.00003.
gnomAD v4.1: 46 of 1,485,554 alleles (0.0031%); highest among the groups gnomAD compares: Non-Finnish European, 0.0038%; no homozygotes.

Submissions (6):

Blueprint Genetics
Classification: Likely benign. Last evaluated: 2024-03-01. Review status: criteria provided, single submitter. Criteria: ACMG Guidelines, 2015. Collection method: clinical testing. Allele origin: germline.

Labcorp Genetics (formerly Invitae), Labcorp
Classification: Uncertain significance for CHARGE syndrome. Last evaluated: 2023-12-07. Review status: criteria provided, single submitter. Criteria: Invitae Variant Classification Sherloc (09022015). Collection method: clinical testing. Allele origin: germline.
Comment: This sequence change falls in intron 8 of the CHD7 gene. It does not directly change the encoded amino acid sequence of the CHD7 protein. It affects a nucleotide within the consensus splice site. The frequency data for this variant in the population databases is considered unreliable, as metrics indicate poor data quality at this position in the gnomAD database. This variant has not been reported in the literature in individuals affected with CHD7-related conditions. ClinVar contains an entry for this variant (Variation ID: 363454). Variants that disrupt the consensus splice site are a relatively common cause of aberrant splicing (PMID: 17576681, 9536098). Algorithms developed to predict the effect of sequence changes on RNA splicing suggest that this variant is not likely to affect RNA splicing. In summary, the available evidence is currently insufficient to determine the role of this variant in disease. Therefore, it has been classified as a Variant of Uncertain Significance.

CeGaT Center for Human Genetics Tuebingen
Classification: Likely benign. Last evaluated: 2022-07-01. Review status: criteria provided, single submitter. Criteria: CeGaT Center For Human Genetics Tuebingen Variant Classification Criteria Version 2. Collection method: clinical testing. Allele origin: germline. Affected: yes. Observed: 1 variant allele.
Comment: CHD7: BP4

GeneDx
Classification: Likely benign. Last evaluated: 2021-03-31. Review status: criteria provided, single submitter. Criteria: GeneDx Variant Classification Process June 2021. Collection method: clinical testing. Allele origin: germline. Affected: yes.

Illumina Laboratory Services, Illumina
Classification: Uncertain significance for Kallmann Syndrome 5. Last evaluated: 2018-01-13. Review status: criteria provided, single submitter. Criteria: ICSL Variant Classification Criteria 13 December 2019. Collection method: clinical testing. Allele origin: germline.

Genetic Services Laboratory, University of Chicago
Classification: Uncertain significance. Last evaluated: 2017-09-26. Review status: criteria provided, single submitter. Criteria: ACMG Guidelines, 2015. Collection method: clinical testing. Allele origin: germline. Affected: no.

Literature cited by the submitters: PubMed 17576681 (cited by Labcorp Genetics (formerly Invitae), Labcorp); PubMed 9536098 (cited by Labcorp Genetics (formerly Invitae), Labcorp).